The following is an entry in ClinVar:

ClinVar aggregate classification (germline): Uncertain significance (1 of 4 stars; one submission).

Conditions:
Hereditary cancer-predisposing syndrome. Also called: Hereditary neoplastic syndrome; Neoplastic Syndromes, Hereditary; Tumor predisposition; Hereditary Cancer Syndrome. Identifiers: Orphanet 140162, MedGen C0027672, MeSH D009386, MONDO:0015356.

Submission:

Ambry Genetics
Classification: Uncertain significance for Hereditary cancer-predisposing syndrome. Last evaluated: 2025-08-27. Review status: criteria provided, single submitter. Criteria: Ambry Variant Classification Scheme 2023. Collection method: clinical testing. Allele origin: germline.
Comment: The p.R70W variant (also known as c.208A>T), located in coding exon 3 of the MUTYH gene, results from an A to T substitution at nucleotide position 208. The arginine at codon 70 is replaced by tryptophan, an amino acid with dissimilar properties. This amino acid position is conserved. In addition, this alteration is predicted to be tolerated by in silico analysis. Based on the available evidence, the clinical significance of this variant remains unclear.

NM_001048174.2(MUTYH):c.124A>T (p.Arg42Trp)

Gene: MUTYH (mutY DNA glycosylase; minus strand). Cytogenetic location: 1p34.1.
Variant type: single nucleotide variant.
Coding change: c.124A>T on transcript NM_001048174.2 (MANE Select); coding-DNA position 124, A replaced by T.
Protein change: p.Arg42Trp; replaces arginine 42 with tryptophan.
Molecular consequence: missense variant. On other transcripts: 5 prime UTR variant (1), non-coding transcript variant (5), intron variant (5).
Genome position (GRCh38, 1-based): chr1:45,333,553, T>A on the plus strand (A>T on the coding strand, the complement: MUTYH is on the minus strand). VCF-style: chr1-45333553-T-A. GRCh37 (hg19) VCF-style: chr1-45799225-T-A.
Other names: c.124A>T, p.Arg42Trp (NM_001048171.2, NM_001048173.2, NM_001293195.2 and 6 more transcripts); c.127A>T, p.Arg43Trp (NM_001048172.2, NM_001407071.1, NM_001407078.1 and 2 more transcripts); c.208A>T, p.Arg70Trp (NM_001128425.2); c.169A>T, p.Arg57Trp (NM_001293190.2); c.157A>T, p.Arg53Trp (NM_001293191.2, NM_001407077.1); c.-148A>T (NM_001350650.2); c.199A>T, p.Arg67Trp (NM_001407069.1, NM_012222.3); c.166A>T, p.Arg56Trp (NM_001407073.1, NM_001407083.1, NM_001407085.1); and 4 more; short protein forms R42W, R67W, R14W, R43W, R49W, R56W, R53W, R57W.
Identifiers: ClinVar variation 4113499 (VCV004113499.1).
Genomic context (GRCh38, chr1:45,333,553, plus strand): 5'-CGTCTCTGAATAGATGGTATGAGGAGACAGAGGCCTGCAATACCACCTCTTCCGGCTGCC[T>A]GGCCAGGCCTGCTGGGGCCCCAGGACACTCAGCAATCATCCCTGCACAGGCTGTGCATCA-3'
Protein context (NP_001041639.1, residues 32-52): AKPSACDGLA[Arg42Trp]QPEEVVLQAS